The following is an entry in ClinVar:

ClinVar aggregate classification (germline): Uncertain significance (1 of 4 stars; one submission).

Conditions:
Fanconi anemia complementation group J. Also called: BRIP1-Related Fanconi Anemia. Identifiers: Orphanet 84, MedGen C1836860, MONDO:0012187, OMIM 609054.
Familial cancer of breast. Also called: BREAST CANCER, FAMILIAL; Hereditary breast cancer; hereditary breast carcinoma. Identifiers: Orphanet 227535, MedGen C0346153, MONDO:0016419, OMIM 114480. Disease mechanism: loss of function.

Submission:

Labcorp Genetics (formerly Invitae), Labcorp
Classification: Uncertain significance for Familial cancer of breast; Fanconi anemia complementation group J. Last evaluated: 2022-12-12. Review status: criteria provided, single submitter. Criteria: Invitae Variant Classification Sherloc (09022015). Collection method: clinical testing. Allele origin: germline.
Comment: In summary, the available evidence is currently insufficient to determine the role of this variant in disease. Therefore, it has been classified as a Variant of Uncertain Significance. Advanced modeling of protein sequence and biophysical properties (such as structural, functional, and spatial information, amino acid conservation, physicochemical variation, residue mobility, and thermodynamic stability) performed at Invitae indicates that this missense variant is not expected to disrupt BRIP1 protein function. This variant has not been reported in the literature in individuals affected with BRIP1-related conditions. This variant is not present in population databases (gnomAD no frequency). This sequence change replaces serine, which is neutral and polar, with leucine, which is neutral and non-polar, at codon 92 of the BRIP1 protein (p.Ser92Leu).

NM_032043.3(BRIP1):c.275C>T (p.Ser92Leu)

Gene: BRIP1 (BRCA1 interacting DNA helicase 1; minus strand). Cytogenetic location: 17q23.2.
Variant type: single nucleotide variant.
Coding change: c.275C>T on transcript NM_032043.3 (MANE Select); coding-DNA position 275, C replaced by T.
Protein change: p.Ser92Leu; replaces serine 92 with leucine.
Molecular consequence: missense variant.
Genome position (GRCh38, 1-based): chr17:61,857,162, G>A on the plus strand (C>T on the coding strand, the complement: BRIP1 is on the minus strand). VCF-style: chr17-61857162-G-A. GRCh37 (hg19) VCF-style: chr17-59934523-G-A.
Other names: short protein forms S92L.
Identifiers: ClinVar variation 2942228 (VCV002942228.3), dbSNP rs1603366351, ClinGen allele CA400485477.